The following is an entry in ClinVar:

NM_001145358.2(SIN3A):c.7C>T (p.Arg3Trp)

Gene: SIN3A (SIN3 transcription regulator family member A; minus strand). Cytogenetic location: 15q24.2.
Variant type: single nucleotide variant.
Coding change: c.7C>T on transcript NM_001145358.2 (MANE Select); coding-DNA position 7, C replaced by T.
Protein change: p.Arg3Trp; replaces arginine 3 with tryptophan.
Molecular consequence: missense variant.
Genome position (GRCh38, 1-based): chr15:75,430,369, G>A on the plus strand (C>T on the coding strand, the complement: SIN3A is on the minus strand). VCF-style: chr15-75430369-G-A. GRCh37 (hg19) VCF-style: chr15-75722710-G-A.
Other names: c.7C>T, p.Arg3Trp (NM_001145357.2, NM_015477.3); short protein forms R3W.
Identifiers: ClinVar variation 1718866 (VCV001718866.6), dbSNP rs1284838849, ClinGen allele CA393462381.
Genomic context (GRCh38, chr15:75,430,369, plus strand): 5'-TGCCAGGGATCCGACGCTGCTGGGCTGCATACACCGGTGACTCCTGGTCATCCAAACGCC[G>A]CTTCATTCTGTGCTCATGCTCAGGGATGCACTACAAAACCTGCAGAAACCAAAAGCAATA-3'
Protein context (NP_001138830.1, residues 1-13): MK[Arg3Trp]RLDDQESPVY

ClinVar aggregate classification (germline): Uncertain significance (1 of 4 stars; one submission).

Allele frequency attached by ClinVar (database versions not stated): gnomAD exomes below 0.00001.
gnomAD v4.1: 3 of 1,608,932 alleles (0.00019%); highest among the groups gnomAD compares: Non-Finnish European, 0.00017%; no homozygotes.

Submission:

Labcorp Genetics (formerly Invitae), Labcorp
Classification: Uncertain significance. Last evaluated: 2022-11-01. Review status: criteria provided, single submitter. Criteria: Invitae Variant Classification Sherloc (09022015). Collection method: clinical testing. Allele origin: germline.
Comment: In summary, the available evidence is currently insufficient to determine the role of this variant in disease. Therefore, it has been classified as a Variant of Uncertain Significance. Algorithms developed to predict the effect of missense changes on protein structure and function are either unavailable or do not agree on the potential impact of this missense change (SIFT: "Deleterious"; PolyPhen-2: "Probably Damaging"; Align-GVGD: "Class C0"). This variant has not been reported in the literature in individuals affected with SIN3A-related conditions. This variant is not present in population databases (gnomAD no frequency). This sequence change replaces arginine, which is basic and polar, with tryptophan, which is neutral and slightly polar, at codon 3 of the SIN3A protein (p.Arg3Trp).